The following is an entry in ClinVar:

NM_002234.4(KCNA5):c.857C>T (p.Pro286Leu)

Gene: KCNA5 (potassium voltage-gated channel subfamily A member 5; plus strand). Cytogenetic location: 12p13.32.
Variant type: single nucleotide variant.
Coding change: c.857C>T on transcript NM_002234.4 (MANE Select); coding-DNA position 857, C replaced by T.
Protein change: p.Pro286Leu; replaces proline 286 with leucine.
Molecular consequence: missense variant.
Genome position (GRCh38, 1-based): chr12:5,045,004, C>T. VCF-style: chr12-5045004-C-T. GRCh37 (hg19) VCF-style: chr12-5154170-C-T.
Other names: c.857C>T (NM_002234.2); short protein forms P286L.
Identifiers: ClinVar variation 1522143 (VCV001522143.7), dbSNP rs571414422, ClinGen allele CA6399735.
Genomic context (GRCh38, chr12:5,045,004, plus strand): 5'-CCTTCTGCTTGGAGACCCTGCCTGAGTTCAGGGATGAACGTGAGCTGCTCCGCCACCCTC[C>T]GGCGCCCCACCAGCCTCCCGCGCCCGCCCCTGGGGCCAACGGCAGCGGGGTCATGGCCCC-3'
Protein context (NP_002225.2, residues 276-296): RDERELLRHP[Pro286Leu]APHQPPAPAP

ClinVar aggregate classification (germline): Uncertain significance. Review status: criteria provided, multiple submitters, no conflicts (2 of 4 stars). 2 submissions from 2 submitters: Uncertain significance (2). Last evaluated 2023-10-23.

Conditions:
Atrial fibrillation, familial, 7 (ATFB7). Identifiers: MedGen C2677106, MONDO:0012828, OMIM 612240.

Allele frequency attached by ClinVar (database versions not stated): ExAC 0.00001; gnomAD exomes 0.00001; gnomAD 0.00002; TOPMed 0.00002.

Submissions (2):

GeneDx
Classification: Uncertain significance. Last evaluated: 2023-10-23. Review status: criteria provided, single submitter. Criteria: GeneDx Variant Classification Process June 2021. Collection method: clinical testing. Allele origin: germline. Affected: yes.
Comment: Has not been previously published as pathogenic or benign to our knowledge; Not observed at significant frequency in large population cohorts (gnomAD); In silico analysis supports that this missense variant does not alter protein structure/function

Labcorp Genetics (formerly Invitae), Labcorp
Classification: Uncertain significance for Atrial fibrillation, familial, 7. Last evaluated: 2023-06-25. Review status: criteria provided, single submitter. Criteria: Invitae Variant Classification Sherloc (09022015). Collection method: clinical testing. Allele origin: germline.
Comment: In summary, the available evidence is currently insufficient to determine the role of this variant in disease. Therefore, it has been classified as a Variant of Uncertain Significance. An algorithm developed to predict the effect of missense changes on protein structure and function (PolyPhen-2) suggests that this variant is likely to be tolerated. ClinVar contains an entry for this variant (Variation ID: 1522143). This variant has not been reported in the literature in individuals affected with KCNA5-related conditions. This variant is present in population databases (rs571414422, gnomAD 0.003%). This sequence change replaces proline, which is neutral and non-polar, with leucine, which is neutral and non-polar, at codon 286 of the KCNA5 protein (p.Pro286Leu).